The following is an entry in ClinVar:

NM_000444.6(PHEX):c.1080-1_1084del

Gene: PHEX (phosphate regulating endopeptidase X-linked; plus strand). Cytogenetic location: Xp22.11.
Variant type: Deletion.
Coding change: c.1080-1_1084del on transcript NM_000444.6 (MANE Select); the canonical splice acceptor site of the intron before coding-DNA position 1080 through coding-DNA position 1084, 6 bases deleted (GGACCA; older notation c.1080-1_1084delGGACCA).
Molecular consequence: splice acceptor variant.
Genome position (GRCh38, 1-based): chrX:22,111,466-22,111,471, GGACCA deleted; deleting any 6 consecutive bases within chrX:22,111,464-22,111,471 gives the same sequence; the c. name uses the placement nearest the transcript's 3' end. VCF-style (leftmost placement, unchanged base first): chrX-22111463-ACAGGAC-A. GRCh37 (hg19) VCF-style: chrX-22129581-ACAGGAC-A.
Other names: c.1080-1_1084del (NM_001282754.2).
Identifiers: ClinVar variation 2747263 (VCV002747263.3), dbSNP rs2518515412, ClinGen allele CA2697552901.

ClinVar aggregate classification (germline): Likely pathogenic (1 of 4 stars; one submission).

Submission:

Labcorp Genetics (formerly Invitae), Labcorp
Classification: Likely pathogenic. Last evaluated: 2023-07-26. Review status: criteria provided, single submitter. Criteria: Invitae Variant Classification Sherloc (09022015). Collection method: clinical testing. Allele origin: germline.
Comment: In summary, the currently available evidence indicates that the variant is pathogenic, but additional data are needed to prove that conclusively. Therefore, this variant has been classified as Likely Pathogenic. Algorithms developed to predict the effect of sequence changes on RNA splicing suggest that this variant may disrupt the consensus splice site. This variant has been observed in individual(s) with clinical features of PHEX-related conditions (Invitae). This variant is not present in population databases (gnomAD no frequency). This variant results in the deletion of part of exon 10 (c.1080-1_1084del) of the PHEX gene. It is expected to disrupt RNA splicing. Variants that disrupt the donor or acceptor splice site typically lead to a loss of protein function (PMID: 16199547), and loss-of-function variants in PHEX are known to be pathogenic (PMID: 9097956, 9106524, 19219621).

Literature cited by the submitters: PubMed 16199547; PubMed 9097956; PubMed 9106524; PubMed 19219621.